The following is an entry in ClinVar:

NM_001039141.3(TRIOBP):c.6961T>C (p.Tyr2321His)

Gene: TRIOBP (TRIO and F-actin binding protein; plus strand). Cytogenetic location: 22q13.1.
Variant type: single nucleotide variant.
Coding change: c.6961T>C on transcript NM_001039141.3 (MANE Select); coding-DNA position 6961, T replaced by C.
Protein change: p.Tyr2321His; replaces tyrosine 2321 with histidine.
Molecular consequence: missense variant.
Genome position (GRCh38, 1-based): chr22:37,772,625, T>C. VCF-style: chr22-37772625-T-C. GRCh37 (hg19) VCF-style: chr22-38168632-T-C.
Other names: c.1822T>C, p.Tyr608His (NM_007032.5); short protein forms Y2321H, Y608H.
Identifiers: ClinVar variation 165616 (VCV000165616.9), dbSNP rs727503530, ClinGen allele CA178365.

ClinVar aggregate classification (germline): Uncertain significance. Review status: criteria provided, multiple submitters, no conflicts (2 of 4 stars). 3 submissions from 3 submitters: Uncertain significance (3). Last evaluated 2025-06-29.

Allele frequency attached by ClinVar (database versions not stated): gnomAD exomes below 0.00001 and 0.00001; gnomAD 0.00009 and 0.00008; TOPMed 0.00022.
gnomAD v4.1: 25 of 1,613,954 alleles (0.0015%); highest among the groups gnomAD compares: Admixed American, 0.03%; 1 homozygote.

Submissions (3):

GeneDx
Classification: Uncertain significance. Last evaluated: 2025-06-29. Review status: criteria provided, single submitter. Criteria: GeneDx Variant Classification Process June 2021. Collection method: clinical testing. Allele origin: germline. Affected: yes.
Comment: Not observed at significant frequency in large population cohorts (gnomAD); In silico analysis supports that this missense variant has a deleterious effect on protein structure/function; Has not been previously published as pathogenic or benign to our knowledge

Labcorp Genetics (formerly Invitae), Labcorp
Classification: Uncertain significance. Last evaluated: 2023-10-13. Review status: criteria provided, single submitter. Criteria: Invitae Variant Classification Sherloc (09022015). Collection method: clinical testing. Allele origin: germline.
Comment: This sequence change replaces tyrosine, which is neutral and polar, with histidine, which is basic and polar, at codon 2321 of the TRIOBP protein (p.Tyr2321His). This variant is present in population databases (rs727503530, gnomAD no frequency). This variant has not been reported in the literature in individuals affected with TRIOBP-related conditions. ClinVar contains an entry for this variant (Variation ID: 165616). An algorithm developed to predict the effect of missense changes on protein structure and function (PolyPhen-2) suggests that this variant is likely to be disruptive. In summary, the available evidence is currently insufficient to determine the role of this variant in disease. Therefore, it has been classified as a Variant of Uncertain Significance.

Laboratory for Molecular Medicine, Mass General Brigham Personalized Medicine
Classification: Uncertain significance. Last evaluated: 2013-11-22. Review status: criteria provided, single submitter. Criteria: LMM Criteria. Collection method: clinical testing. Allele origin: germline. Observed: 1 variant allele.
Comment: The Tyr2321His variant in TRIOBP has not been previously reported in individuals with hearing loss or in large population studies. Computational analyses (amino acid biochemical properties, conservation, AlignGVGD, PolyPhen2, SIFT) do not p rovide strong evidence for or against an impact to the protein. In summary, add itional data is needed to assess the clinical significance of this variant.